The following is an entry in ClinVar:

ClinVar aggregate classification (germline): Uncertain significance (1 of 4 stars; one submission).

Submission:

Labcorp Genetics (formerly Invitae), Labcorp
Classification: Uncertain significance. Last evaluated: 2021-10-15. Review status: criteria provided, single submitter. Criteria: Invitae Variant Classification Sherloc (09022015). Collection method: clinical testing. Allele origin: germline.
Comment: In summary, the available evidence is currently insufficient to determine the role of this variant in disease. Therefore, it has been classified as a Variant of Uncertain Significance. This variant has not been reported in the literature in individuals affected with ANXA11-related conditions. This variant is not present in population databases (ExAC no frequency). This sequence change creates a premature translational stop signal (p.Lys378Glnfs*20) in the ANXA11 gene. It is expected to result in an absent or disrupted protein product. However, the current clinical and genetic evidence is not sufficient to establish whether loss-of-function variants in ANXA11 cause disease.

NM_145868.2(ANXA11):c.1131dup (p.Lys378fs)

Gene: ANXA11 (annexin A11; minus strand). Cytogenetic location: 10q22.3.
Variant type: Duplication.
Coding change: c.1131dup on transcript NM_145868.2 (MANE Select); coding-DNA position 1131, one base duplicated (C; older notation c.1131dupC).
Protein change: p.Lys378fs; shifts the reading frame from lysine 378.
Molecular consequence: frameshift variant.
Genome position (GRCh38, 1-based): chr10:80,161,984, G duplicated on the plus strand (C on the coding strand, the reverse complement: ANXA11 is on the minus strand); the first of 2 consecutive G bases (chr10:80,161,984-80,161,985); duplicating either gives the same sequence. VCF-style (leftmost placement, unchanged base first): chr10-80161983-T-TG. GRCh37 (hg19) VCF-style: chr10-81921739-T-TG.
Other names: c.1131dup, p.Lys378fs (NM_001157.3, NM_001278407.2, NM_001278408.2 and 1 more transcripts); c.1032dup, p.Lys345fs (NM_001278409.2); short protein forms K345fs, K378fs.
Identifiers: ClinVar variation 1432199 (VCV001432199.6), dbSNP rs2132379236, ClinGen allele CA2573145798.